The following is an entry in ClinVar:

NM_001384732.1(CPLANE1):c.2185A>G (p.Ile729Val)

Gene: CPLANE1 (ciliogenesis and planar polarity effector complex subunit 1; minus strand). Cytogenetic location: 5p13.2.
Variant type: single nucleotide variant.
Coding change: c.2185A>G on transcript NM_001384732.1 (MANE Select); coding-DNA position 2185, A replaced by G.
Protein change: p.Ile729Val; replaces isoleucine 729 with valine.
Molecular consequence: missense variant.
Genome position (GRCh38, 1-based): chr5:37,226,410, T>C on the plus strand (A>G on the coding strand, the complement: CPLANE1 is on the minus strand). VCF-style: chr5-37226410-T-C. GRCh37 (hg19) VCF-style: chr5-37226512-T-C.
Other names: c.2185A>G, p.Ile729Val (NM_023073.4); short protein forms I729V.
Identifiers: ClinVar variation 537709 (VCV000537709.5), dbSNP rs1010091096, ClinGen allele CA117057358.

ClinVar aggregate classification (germline): Uncertain significance. Review status: criteria provided, multiple submitters, no conflicts (2 of 4 stars). 2 submissions from 2 submitters: Uncertain significance (2). Last evaluated 2022-02-08.

Conditions:
Joubert syndrome 17 (JBTS17). Identifiers: Orphanet 475, MedGen C3553264, MONDO:0013824, OMIM 614615.
Orofaciodigital syndrome type 6 (OFD6). Also called: OROFACIODIGITAL SYNDROME VI; OFDS VI; POLYDACTYLY, CLEFT LIP/PALATE OR LINGUAL LUMP, AND PSYCHOMOTOR RETARDATION; VARADI SYNDROME; VARADI-PAPP SYNDROME; Oral-facial-digital syndrome type 6. Identifiers: Orphanet 2754, MedGen C2745997, MONDO:0010176, OMIM 277170.

Allele frequency attached by ClinVar (database versions not stated): gnomAD 0.00001 and 0.00002; gnomAD exomes 0.00001 and 0.00005; TOPMed 0.00003.
gnomAD v4.1: 19 of 1,550,168 alleles (0.0012%); highest among the groups gnomAD compares: East Asian, 0.032%; no homozygotes.

Submissions (2):

Fulgent Genetics
Classification: Uncertain significance for Orofaciodigital syndrome type 6; Joubert syndrome 17. Last evaluated: 2022-02-08. Review status: criteria provided, single submitter. Criteria: ACMG Guidelines, 2015. Collection method: clinical testing. Allele origin: unknown.

Labcorp Genetics (formerly Invitae), Labcorp
Classification: Uncertain significance. Last evaluated: 2021-08-28. Review status: criteria provided, single submitter. Criteria: Invitae Variant Classification Sherloc (09022015). Collection method: clinical testing. Allele origin: germline.
Comment: This sequence change replaces isoleucine with valine at codon 729 of the CPLANE1 protein (p.Ile729Val). The isoleucine residue is weakly conserved and there is a small physicochemical difference between isoleucine and valine. This variant is not present in population databases (ExAC no frequency). This variant has not been reported in the literature in individuals affected with CPLANE1-related conditions. Algorithms developed to predict the effect of missense changes on protein structure and function output the following: SIFT: "Deleterious"; PolyPhen-2: "Benign"; Align-GVGD: "Class C0". The valine amino acid residue is found in multiple mammalian species, which suggests that this missense change does not adversely affect protein function. In summary, the available evidence is currently insufficient to determine the role of this variant in disease. Therefore, it has been classified as a Variant of Uncertain Significance.